The following is an entry in ClinVar:

ClinVar aggregate classification (germline): Uncertain significance. Review status: criteria provided, multiple submitters, no conflicts (2 of 4 stars). 3 submissions from 3 submitters: Uncertain significance (3). Last evaluated 2025-08-04.

Conditions:
Arrhythmogenic right ventricular dysplasia 10. Also called: Arrhythmogenic right ventricular dysplasia/cardiomyopathy, type 10; Arrhythmogenic Right Ventricular Dysplasia/Cardiomyopathy10; ARRHYTHMOGENIC RIGHT VENTRICULAR DYSPLASIA, FAMILIAL, 10. Identifiers: MedGen C1857777, MONDO:0012434, OMIM 610193.
Cardiovascular phenotype. Identifiers: MedGen CN230736.
Cardiomyopathy (CMYO). Also called: Cardiomyopathies. Identifiers: Orphanet 167848, MedGen C0878544, MONDO:0004994, HP:0001638. Inheritance: Various modes of inheritance.

Allele frequency attached by ClinVar (database versions not stated): gnomAD 0.00001; ExAC 0.00002; gnomAD exomes 0.00001.
gnomAD v4.1: 17 of 1,613,974 alleles (0.0011%); highest among the groups gnomAD compares: Middle Eastern, 0.016%; no homozygotes.

Submissions (3):

Color Diagnostics, LLC DBA Color Health
Classification: Uncertain significance for Cardiomyopathy. Last evaluated: 2025-08-04. Review status: criteria provided, single submitter. Criteria: ACMG Guidelines, 2015. Collection method: clinical testing. Allele origin: germline.
Comment: This missense variant replaces glycine with arginine at codon 683 of the DSG2 protein. Computational prediction suggests that this variant may not impact protein structure and function. To our knowledge, functional studies have not been reported for this variant. This variant has not been reported in individuals affected with DSG2-related disorders in the literature. This variant has been identified in 2/249310 chromosomes in the general population by the Genome Aggregation Database (gnomAD). The available evidence is insufficient to determine the role of this variant in disease conclusively. Therefore, this variant is classified as a Variant of Uncertain Significance.

Ambry Genetics
Classification: Uncertain significance for Cardiovascular phenotype. Last evaluated: 2025-05-24. Review status: criteria provided, single submitter. Criteria: Ambry Variant Classification Scheme 2023. Collection method: clinical testing. Allele origin: germline.
Comment: The p.G683R variant (also known as c.2047G>C), located in coding exon 14 of the DSG2 gene, results from a G to C substitution at nucleotide position 2047. The glycine at codon 683 is replaced by arginine, an amino acid with dissimilar properties. This amino acid position is conserved. In addition, this alteration is predicted to be tolerated by in silico analysis. Based on the available evidence, the clinical significance of this variant remains unclear.

Labcorp Genetics (formerly Invitae), Labcorp
Classification: Uncertain significance for Arrhythmogenic right ventricular dysplasia 10. Last evaluated: 2024-10-18. Review status: criteria provided, single submitter. Criteria: Invitae Variant Classification Sherloc (09022015). Collection method: clinical testing. Allele origin: germline.
Comment: This sequence change replaces glycine, which is neutral and non-polar, with arginine, which is basic and polar, at codon 683 of the DSG2 protein (p.Gly683Arg). This variant is present in population databases (rs746376521, gnomAD 0.006%). This variant has not been reported in the literature in individuals affected with DSG2-related conditions. ClinVar contains an entry for this variant (Variation ID: 2188947). Invitae Evidence Modeling of protein sequence and biophysical properties (such as structural, functional, and spatial information, amino acid conservation, physicochemical variation, residue mobility, and thermodynamic stability) indicates that this missense variant is not expected to disrupt DSG2 protein function with a negative predictive value of 95%. In summary, the available evidence is currently insufficient to determine the role of this variant in disease. Therefore, it has been classified as a Variant of Uncertain Significance.

NM_001943.5(DSG2):c.2047G>C (p.Gly683Arg)

Genes: DSG2 (desmoglein 2; plus strand), DSG2-AS1 (DSG2 antisense RNA 1; minus strand). Cytogenetic location: 18q12.1.
Variant type: single nucleotide variant.
Coding change: c.2047G>C on transcript NM_001943.5 (MANE Select); coding-DNA position 2047, G replaced by C.
Protein change: p.Gly683Arg; replaces glycine 683 with arginine.
Molecular consequence: missense variant.
Genome position (GRCh38, 1-based): chr18:31,542,565, G>C. VCF-style: chr18-31542565-G-C. GRCh37 (hg19) VCF-style: chr18-29122528-G-C.
Other names: short protein forms G683R.
Identifiers: ClinVar variation 2188947 (VCV002188947.6), dbSNP rs746376521, ClinGen allele CA044745.